The following is an entry in ClinVar:

ClinVar aggregate classification (germline): Uncertain significance. Review status: criteria provided, multiple submitters, no conflicts (2 of 4 stars). 2 submissions from 2 submitters: Uncertain significance (2). Last evaluated 2022-07-04.

Submissions (2):

Labcorp Genetics (formerly Invitae), Labcorp
Classification: Uncertain significance. Last evaluated: 2022-07-04. Review status: criteria provided, single submitter. Criteria: Invitae Variant Classification Sherloc (09022015). Collection method: clinical testing. Allele origin: germline.
Comment: This variant, c.4634_4635ins18, results in the insertion of 6 amino acid(s) of the PTPN23 protein (p.Pro1546_Pro1551dup), but otherwise preserves the integrity of the reading frame. The frequency data for this variant in the population databases is considered unreliable, as metrics indicate poor data quality at this position in the gnomAD database. This variant has not been reported in the literature in individuals affected with PTPN23-related conditions. ClinVar contains an entry for this variant (Variation ID: 1380701). Experimental studies and prediction algorithms are not available or were not evaluated, and the functional significance of this variant is currently unknown. In summary, the available evidence is currently insufficient to determine the role of this variant in disease. Therefore, it has been classified as a Variant of Uncertain Significance.

Blueprint Genetics
Classification: Uncertain significance. Last evaluated: 2020-04-11. Review status: criteria provided, single submitter. Criteria: ACMG Guidelines, 2015. Collection method: clinical testing. Allele origin: germline.

NM_015466.4(PTPN23):c.4634_4635insACCCCCCCTTTCCTCCCC (p.Pro1546_Pro1551dup)

Gene: PTPN23 (protein tyrosine phosphatase non-receptor type 23; plus strand). Cytogenetic location: 3p21.31.
Variant type: Insertion.
Coding change: c.4634_4635insACCCCCCCTTTCCTCCCC on transcript NM_015466.4 (MANE Select); coding-DNA positions 4634 to 4635, ACCCCCCCTTTCCTCCCC inserted.
Protein change: p.Pro1546_Pro1551dup.
Molecular consequence: inframe insertion.
Genome position: GRCh38 VCF-style: chr3-47412899-C-CTTCCTCCCCACCCCCCCT. GRCh37 (hg19) VCF-style: chr3-47454389-C-CTTCCTCCCCACCCCCCCT.
Other names: c.4256_4257insACCCCCCCTTTCCTCCCC, p.Pro1420_Pro1425dup (NM_001304482.2).
Identifiers: ClinVar variation 1380701 (VCV001380701.4), dbSNP rs778621394, ClinGen allele CA2366656.